The following is an entry in ClinVar:

ClinVar aggregate classification (germline): Benign/Likely benign. Review status: criteria provided, multiple submitters, no conflicts (2 of 4 stars). 31 submissions from 31 submitters: Benign (13); Likely benign (7). 11 of the submissions do not count toward it. Last evaluated 2026-02-04.

Conditions:
Ovarian cancer. Also called: OVARIAN CANCER, SOMATIC. Identifiers: Orphanet 213500, MedGen C1140680, MONDO:0008170, OMIM 167000.
Hereditary breast ovarian cancer syndrome. Also called: Hereditary breast and ovarian cancer syndrome; Hereditary breast and ovarian cancer syndrome (HBOC); Breast and ovarian cancer; BRCA1- and BRCA2-Associated Hereditary Breast and Ovarian Cancer; Hereditary breast and ovarian cancer; Hereditary breast and/or ovarian cancer syndrome. Identifiers: Orphanet 145, MedGen C0677776, MeSH D061325, MONDO:0003582. Disease mechanism: loss of function.
Fanconi anemia complementation group N. Also called: PALB2-Related Fanconi Anemia. Identifiers: Orphanet 84, MedGen C1835817, MONDO:0012565, OMIM 610832. Disease mechanism: loss of function.
Familial cancer of breast. Also called: hereditary breast carcinoma; Hereditary breast cancer; BREAST CANCER, FAMILIAL. Identifiers: Orphanet 227535, MedGen C0346153, MONDO:0016419, OMIM 114480. Disease mechanism: loss of function.
Malignant tumor of breast. Also called: Malignant breast neoplasm; Cancer breast. Identifiers: MedGen C0006142, MONDO:0007254. Disease mechanism: loss of function.
Breast-ovarian cancer, familial, susceptibility to, 5 (BROVCA5). Identifiers: MedGen C5830615, MONDO:0957530, OMIM 620442.
Pancreatic cancer, susceptibility to, 3. Identifiers: Orphanet 1333, MedGen C3150547, MONDO:0013236, OMIM 613348.
Hereditary cancer-predisposing syndrome. Also called: Tumor predisposition; Hereditary neoplastic syndrome; Neoplastic Syndromes, Hereditary; Hereditary Cancer Syndrome. Identifiers: Orphanet 140162, MedGen C0027672, MeSH D009386, MONDO:0015356.

Allele frequency attached by ClinVar (database versions not stated): gnomAD 0.01717 and 0.01619; TOPMed 0.01765; ESP Exome Variant Server 0.01785; 1000 Genomes Project 0.00859; 1000 Genomes Project 30x 0.00874; ExAC 0.01579; gnomAD exomes 0.01640.
gnomAD v4.1: 31,760 of 1,614,050 alleles (2%); highest among the groups gnomAD compares: Middle Eastern, 3.9%; 389 homozygotes.

Submissions 1 to 24 of 31:

Labcorp Genetics (formerly Invitae), Labcorp
Classification: Benign for Familial cancer of breast. Last evaluated: 2026-02-04. Review status: criteria provided, single submitter. Criteria: Invitae Variant Classification Sherloc (09022015). Collection method: clinical testing. Allele origin: germline.

Mayo Clinic Laboratories, Mayo Clinic
Classification: Benign. Last evaluated: 2025-10-23. Review status: criteria provided, single submitter. Criteria: ACMG Guidelines, 2015. Collection method: clinical testing. Allele origin: germline. Observed: 54 variant alleles.
Comment: BA1, BP1

ARUP Laboratories, Molecular Genetics and Genomics, ARUP Laboratories
Classification: Benign. Last evaluated: 2025-07-30. Review status: criteria provided, single submitter. Criteria: ARUP Molecular Germline Variant Investigation Process 2024. Collection method: clinical testing. Allele origin: germline.

Center for Genomic Medicine, Rigshospitalet, Copenhagen University Hospital
Classification: Benign. Last evaluated: 2025-03-04. Review status: criteria provided, single submitter. Criteria: ACMG Guidelines, 2015. Collection method: clinical testing. Allele origin: germline.

Blueprint Genetics
Classification: Likely benign. Last evaluated: 2024-11-27. Review status: criteria provided, single submitter. Criteria: ACMG Guidelines, 2015. Collection method: clinical testing. Allele origin: germline.

KCCC/NGS Laboratory, Kuwait Cancer Control Center
Classification: Benign for Breast-ovarian cancer, familial, susceptibility to, 5. Last evaluated: 2023-07-07. Review status: criteria provided, single submitter. Criteria: ACMG Guidelines, 2015. Collection method: clinical testing. Allele origin: germline. Affected: yes.

Myriad Genetics, Inc.
Classification: Benign for Familial cancer of breast. Last evaluated: 2023-03-31. Review status: criteria provided, single submitter. Criteria: Myriad Autosomal Dominant, Autosomal Recessive and X-Linked Classification Criteria (2023). Collection method: clinical testing. Allele origin: unknown.
Comment: This variant is considered benign. This variant is strongly associated with less severe personal and family histories of cancer, typical for individuals without pathogenic variants in this gene [PMID: 25085752]. This variant has been observed at a population frequency that is significantly greater than expected given the associated disease prevalence and penetrance.

National Health Laboratory Service, Universitas Academic Hospital and University of the Free State
Classification: Benign for Hereditary breast ovarian cancer syndrome. Last evaluated: 2022-04-19. Review status: criteria provided, single submitter. Criteria: ACMG Guidelines, 2015. Collection method: clinical testing. Allele origin: germline. Affected: yes. Observed: 1 variant allele.

Institute for Clinical Genetics, University Hospital TU Dresden, University Hospital TU Dresden
Classification: Likely benign. Last evaluated: 2021-11-03. Review status: criteria provided, single submitter. Criteria: ACMG Guidelines, 2015. Collection method: clinical testing. Allele origin: germline.

Fulgent Genetics
Classification: Likely benign for Familial cancer of breast; Fanconi anemia complementation group N; Pancreatic cancer, susceptibility to, 3. Last evaluated: 2021-08-06. Review status: criteria provided, single submitter. Criteria: ACMG Guidelines, 2015. Collection method: clinical testing. Allele origin: unknown.

Sema4
Classification: Benign for Hereditary cancer-predisposing syndrome. Last evaluated: 2021-05-11. Review status: criteria provided, single submitter. Criteria: Sema4 Curation Guidelines. Collection method: curation. Allele origin: germline.

Mendelics
Classification: Benign for Familial cancer of breast. Last evaluated: 2019-05-28. Review status: criteria provided, single submitter. Criteria: Mendelics Assertion Criteria 2017. Collection method: clinical testing. Allele origin: unknown.

Illumina Laboratory Services, Illumina
Classification: Benign for Fanconi anemia complementation group N. Last evaluated: 2018-03-06. Review status: criteria provided, single submitter. Criteria: ICSL Variant Classification Criteria 13 December 2019. Collection method: clinical testing. Allele origin: germline.
Comment: This variant was observed in the ICSL laboratory as part of a predisposition screen in an ostensibly healthy population. It had not been previously curated by ICSL or reported in the Human Gene Mutation Database (HGMD: prior to June 1st, 2018), and was therefore a candidate for classification through an automated scoring system. Utilizing variant allele frequency, disease prevalence and penetrance estimates, and inheritance mode, an automated score was calculated to assess if this variant is too frequent to cause the disease. Based on the score and internal cut-off values, a variant classified as benign is not then subjected to further curation. The score for this variant resulted in a classification of benign for this disease.

Institute for Biomarker Research, Medical Diagnostic Laboratories, L.L.C.
Classification: Likely benign for Hereditary cancer-predisposing syndrome. Last evaluated: 2017-02-14. Review status: criteria provided, single submitter. Criteria: ACMG Guidelines, 2015. Collection method: clinical testing. Allele origin: germline.

Vantari Genetics
Classification: Likely benign for Hereditary cancer-predisposing syndrome. Last evaluated: 2015-10-26. Review status: criteria provided, single submitter. Criteria: ACMG Guidelines, 2015. Collection method: clinical testing. Allele origin: germline.

Cancer Genetics Laboratory, Peter MacCallum Cancer Centre
Classification: Likely benign for Familial cancer of breast. Last evaluated: 2015-06-01. Review status: criteria provided, single submitter. Criteria: Thompson et al. (Breast Cancer Res. 2015). Collection method: case-control. Allele origin: germline. Affected: yes and no. Observed: 180 variant alleles, 177 heterozygotes, 3 homozygotes.

Ambry Genetics
Classification: Benign for Hereditary cancer-predisposing syndrome. Last evaluated: 2014-06-10. Review status: criteria provided, single submitter. Criteria: Ambry Variant Classification Scheme 2023. Collection method: clinical testing. Allele origin: germline.

GeneDx
Classification: Benign. Last evaluated: 2013-10-14. Review status: criteria provided, single submitter. Criteria: GeneDx Variant Classification (06012015). Collection method: clinical testing. Allele origin: germline. Affected: yes.
Comment: This variant is considered likely benign or benign based on one or more of the following criteria: it is a conservative change, it occurs at a poorly conserved position in the protein, it is predicted to be benign by multiple in silico algorithms, and/or has population frequency not consistent with disease.

Breakthrough Genomics
Classification: Likely benign. Review status: criteria provided, single submitter. Criteria: ACMG Guidelines, 2015. Collection method: not provided. Allele origin: germline. Inheritance: Autosomal dominant inheritance. Affected: yes.

PreventionGenetics, part of Exact Sciences
Classification: Benign. Review status: criteria provided, single submitter. Criteria: ACMG Guidelines, 2015. Collection method: clinical testing. Allele origin: germline.

Leiden Open Variation Database
Classification: Benign. Last evaluated: 2019-08-07. Review status: no assertion criteria provided. Collection method: curation. Allele origin: germline. Affected: no. Not counted in ClinVar's aggregate classification.
Comment: Curators: Marc Tischkowitz, Arleen D. Auerbach. Submitters to LOVD: Marc Tischkowitz, Maximiliano Zeballos, Melissa DeRycke.

True Health Diagnostics
Classification: Likely benign for Hereditary cancer-predisposing syndrome. Last evaluated: 2018-02-23. Review status: no assertion criteria provided. Collection method: clinical testing. Allele origin: germline. Not counted in ClinVar's aggregate classification.

Counsyl
Classification: Benign for Familial cancer of breast. Last evaluated: 2016-04-01. Review status: no assertion criteria provided. Collection method: clinical testing. Allele origin: unknown. Not counted in ClinVar's aggregate classification.

Pathway Genomics
Classification: Benign for Breast carcinoma. Last evaluated: 2014-11-06. Review status: no assertion criteria provided. Collection method: clinical testing. Allele origin: germline. Not counted in ClinVar's aggregate classification.

NM_024675.4(PALB2):c.2993G>A (p.Gly998Glu)

Gene: PALB2 (partner and localizer of BRCA2; minus strand). Cytogenetic location: 16p12.2.
Variant type: single nucleotide variant.
Coding change: c.2993G>A on transcript NM_024675.4 (MANE Select); coding-DNA position 2993, G replaced by A.
Protein change: p.Gly998Glu; replaces glycine 998 with glutamic acid.
Molecular consequence: missense variant.
Genome position (GRCh38, 1-based): chr16:23,622,972, C>T on the plus strand (G>A on the coding strand, the complement: PALB2 is on the minus strand). VCF-style: chr16-23622972-C-T. GRCh37 (hg19) VCF-style: chr16-23634293-C-T.
Other names: p.G998E:GGA>GAA; NP_078951.2:p.Gly998Glu; short protein forms G998E.
Identifiers: ClinVar variation 126699 (VCV000126699.60), dbSNP rs45551636, ClinGen allele CA151242.